The following is an entry in ClinVar:

ClinVar aggregate classification (germline): Likely pathogenic (1 of 4 stars; one submission).

Conditions:
Glutathione synthetase deficiency with 5-oxoprolinuria. Also called: PYROGLUTAMIC ACIDURIA; 5-Oxoprolinuria; Gluthathione synthetase deficiency; 5-OXOPROLINURIA DUE TO GLUTATHIONE SYNTHETASE DEFICIENCY; Reduced glutathione synthetase level. Identifiers: Orphanet 289846, MedGen C0398746, MONDO:0009947, OMIM 266130, HP:0003343.

Allele frequency attached by ClinVar (database versions not stated): gnomAD exomes below 0.00001.
gnomAD v4.1: 2 of 1,592,682 alleles (0.00013%); highest among the groups gnomAD compares: East Asian, 0.0045%; no homozygotes.

Submission:

Labcorp Genetics (formerly Invitae), Labcorp
Classification: Likely pathogenic for Glutathione synthetase deficiency with 5-oxoprolinuria. Last evaluated: 2023-01-30. Review status: criteria provided, single submitter. Criteria: Invitae Variant Classification Sherloc (09022015). Collection method: clinical testing. Allele origin: germline.
Comment: This sequence change affects a donor splice site in intron 4 of the GSS gene. It is expected to disrupt RNA splicing. Variants that disrupt the donor or acceptor splice site typically lead to a loss of protein function (PMID: 16199547), and loss-of-function variants in GSS are known to be pathogenic (PMID: 12638941, 15717202). This variant is present in population databases (no rsID available, gnomAD 0.006%). This variant has not been reported in the literature in individuals affected with GSS-related conditions. Algorithms developed to predict the effect of sequence changes on RNA splicing suggest that this variant may disrupt the consensus splice site. In summary, the currently available evidence indicates that the variant is pathogenic, but additional data are needed to prove that conclusively. Therefore, this variant has been classified as Likely Pathogenic.

Literature cited by the submitters: PubMed 16199547; PubMed 12638941; PubMed 15717202.

NM_000178.4(GSS):c.351+1G>C

Gene: GSS (glutathione synthetase; minus strand). Cytogenetic location: 20q11.22.
Variant type: single nucleotide variant.
Coding change: c.351+1G>C on transcript NM_000178.4 (MANE Select); the canonical splice donor site of the intron after coding-DNA position 351, G replaced by C.
Molecular consequence: splice donor variant.
Genome position (GRCh38, 1-based): chr20:34,942,930, C>G on the plus strand (G>C on the coding strand, the complement: GSS is on the minus strand). VCF-style: chr20-34942930-C-G. GRCh37 (hg19) VCF-style: chr20-33530733-C-G.
Other names: c.351+1G>C (NM_001322494.1, NM_001322495.1).
Identifiers: ClinVar variation 2832268 (VCV002832268.3), dbSNP rs773779413, ClinGen allele CA408704736.
Genomic context (GRCh38, chr20:34,942,930, plus strand): 5'-AGAAAACAAACAGAGATGGGAGGGACAGGTTACAGACTGGAGTAGGGCTGGGAATGGTTA[C>G]CTGGGCAATGCCCTCTTTTAGGACTTGCTTGTGGATGTCAAAGAGACGAGCGGTAAAGTC-3'